The following is an entry in ClinVar:

ClinVar aggregate classification (germline): Uncertain significance (1 of 4 stars; one submission).

Submission:

Ambry Genetics
Classification: Uncertain significance. Last evaluated: 2021-07-13. Review status: criteria provided, single submitter. Criteria: Ambry Variant Classification Scheme 2023. Collection method: clinical testing. Allele origin: germline.
Comment: The p.S3288R variant (also known as c.9864C>A), located in coding exon 70 of the PRKDC gene, results from a C to A substitution at nucleotide position 9864. The serine at codon 3288 is replaced by arginine, an amino acid with dissimilar properties. This amino acid position is conserved. Since supporting evidence is limited at this time, the clinical significance of this alteration remains unclear.

NM_006904.7(PRKDC):c.9864C>A (p.Ser3288Arg)

Gene: PRKDC (protein kinase, DNA-activated, catalytic subunit; minus strand). Cytogenetic location: 8q11.21.
Variant type: single nucleotide variant.
Coding change: c.9864C>A on transcript NM_006904.7 (MANE Select); coding-DNA position 9864, C replaced by A.
Protein change: p.Ser3288Arg; replaces serine 3288 with arginine.
Molecular consequence: missense variant.
Genome position (GRCh38, 1-based): chr8:47,803,364, G>T on the plus strand (C>A on the coding strand, the complement: PRKDC is on the minus strand). VCF-style: chr8-47803364-G-T. GRCh37 (hg19) VCF-style: chr8-48715925-G-T.
Other names: c.9864C>A, p.Ser3288Arg (NM_001081640.2); short protein forms S3288R.
Identifiers: ClinVar variation 1768432 (VCV001768432.2), dbSNP rs2551863334, ClinGen allele CA371136596.